The following is an entry in ClinVar:

NM_133259.4(LRPPRC):c.1842+2T>A

Gene: LRPPRC (leucine rich pentatricopeptide repeat containing; minus strand). Cytogenetic location: 2p21.
Variant type: single nucleotide variant.
Coding change: c.1842+2T>A on transcript NM_133259.4 (MANE Select); the canonical splice donor site of the intron after coding-DNA position 1842, T replaced by A.
Molecular consequence: splice donor variant.
Genome position (GRCh38, 1-based): chr2:43,948,410, A>T on the plus strand (T>A on the coding strand, the complement: LRPPRC is on the minus strand). VCF-style: chr2-43948410-A-T. GRCh37 (hg19) VCF-style: chr2-44175549-A-T.
Identifiers: ClinVar variation 552272 (VCV000552272.3), dbSNP rs1553404194, ClinGen allele CA346676263.

ClinVar aggregate classification (germline): Likely pathogenic. Review status: criteria provided, single submitter (1 of 4 stars). 2 submissions from 2 submitters: Likely pathogenic (1). 1 of the submissions does not count toward it. Last evaluated 2024-08-15.

Conditions:
Congenital lactic acidosis, Saguenay-Lac-Saint-Jean type (MC4DN5). Also called: CYTOCHROME c OXIDASE DEFICIENCY, FRENCH CANADIAN TYPE; COX DEFICIENCY, FRENCH CANADIAN TYPE; MITOCHONDRIAL COMPLEX IV DEFICIENCY, NUCLEAR TYPE 5. Identifiers: Orphanet 70472, MedGen C1857355, MONDO:0009069, OMIM 220111.

Submissions (2):

Natera, Inc.
Classification: Likely pathogenic for French-Canadian type Leigh syndrome. Last evaluated: 2024-08-15. Review status: criteria provided, single submitter. Criteria: Natera Variant Classification Schema (03/2026). Collection method: clinical testing. Allele origin: germline.
Comment: The c.1842+2T>A variant in LRPPRC is a canonical splice donor site variant predicted to affect pre-mRNA splicing, which may result in an abnormal transcript and altered protein product. This variant is expected to result in nonsense mediated decay, truncation, or a dysfunctional protein product. This variant is rare in the general population with a frequency below the threshold expected for the associated phenotype(s). Given the available evidence, this variant is classified as Likely Pathogenic.

Counsyl
Classification: Likely pathogenic for Congenital lactic acidosis, Saguenay-Lac-Saint-Jean type. Last evaluated: 2017-06-01. Review status: no assertion criteria provided. Collection method: clinical testing. Allele origin: unknown. Not counted in ClinVar's aggregate classification.